The following is an entry in ClinVar:

NM_000234.3(LIG1):c.1821+35G>A

Gene: LIG1 (DNA ligase 1; minus strand). Cytogenetic location: 19q13.33.
Variant type: single nucleotide variant.
Coding change: c.1821+35G>A on transcript NM_000234.3 (MANE Select); 35 bases into the intron after coding-DNA position 1821, G replaced by A.
Molecular consequence: intron variant.
Genome position (GRCh38, 1-based): chr19:48,131,041, C>T on the plus strand (G>A on the coding strand, the complement: LIG1 is on the minus strand). VCF-style: chr19-48131041-C-T. GRCh37 (hg19) VCF-style: chr19-48634298-C-T.
Other names: c.1728+35G>A (NM_001289063.2); c.1731+35G>A (NM_001320971.2); c.1617+35G>A (NM_001289064.2); c.1818+35G>A (NM_001320970.2).
Identifiers: ClinVar variation 2628267 (VCV002628267.2), dbSNP rs3730994, ClinGen allele CA9546686.

ClinVar aggregate classification (germline): Benign (1 of 4 stars; one submission).

Allele frequency attached by ClinVar (database versions not stated): ExAC 0.12095; 1000 Genomes Project 0.15795; TOPMed 0.16030; 1000 Genomes Project 30x 0.16131; ESP Exome Variant Server 0.16269.
gnomAD v4.1: 187,383 of 1,562,268 alleles (12%); highest among the groups gnomAD compares: African/African-American, 26%; 12,229 homozygotes.

Submission:

Unidad de Genómica Garrahan, Hospital de Pediatría Garrahan
Classification: Benign. Last evaluated: 2023-11-12. Review status: criteria provided, single submitter. Criteria: ACMG Guidelines, 2015. Collection method: clinical testing. Allele origin: germline. Affected: no. Observed: 23 variant alleles.
Comment: This variant is classified as Benign based on local population frequency. This variant was detected in 24% of patients studied by a panel of primary immunodeficiencies. Number of patients: 23. Only high quality variants are reported.